The following is an entry in ClinVar:

ClinVar aggregate classification (germline): Uncertain significance. Review status: criteria provided, multiple submitters, no conflicts (2 of 4 stars). 2 submissions from 2 submitters: Uncertain significance (2). Last evaluated 2025-01-05.

Allele frequency attached by ClinVar (database versions not stated): TOPMed below 0.00001; gnomAD 0.00001.
gnomAD v4.1: 8 of 1,574,772 alleles (0.00051%); highest among the groups gnomAD compares: African/African-American, 0.0014%; no homozygotes.

Submissions (2):

Labcorp Genetics (formerly Invitae), Labcorp
Classification: Uncertain significance. Last evaluated: 2025-01-05. Review status: criteria provided, single submitter. Criteria: Invitae Variant Classification Sherloc (09022015). Collection method: clinical testing. Allele origin: germline.
Comment: This sequence change replaces methionine, which is neutral and non-polar, with lysine, which is basic and polar, at codon 211 of the TOP2B protein (p.Met211Lys). This variant is not present in population databases (gnomAD no frequency). This variant has not been reported in the literature in individuals affected with TOP2B-related conditions. ClinVar contains an entry for this variant (Variation ID: 1356534). An algorithm developed to predict the effect of missense changes on protein structure and function (PolyPhen-2) suggests that this variant is likely to be tolerated. In summary, the available evidence is currently insufficient to determine the role of this variant in disease. Therefore, it has been classified as a Variant of Uncertain Significance.

Ambry Genetics
Classification: Uncertain significance. Last evaluated: 2024-04-29. Review status: criteria provided, single submitter. Criteria: Ambry Variant Classification Scheme 2023. Collection method: clinical testing. Allele origin: germline.

NM_001330700.2(TOP2B):c.647T>A (p.Met216Lys)

Gene: TOP2B (DNA topoisomerase II beta; minus strand). Cytogenetic location: 3p24.2.
Variant type: single nucleotide variant.
Coding change: c.647T>A on transcript NM_001330700.2 (MANE Select); coding-DNA position 647, T replaced by A.
Protein change: p.Met216Lys; replaces methionine 216 with lysine.
Molecular consequence: missense variant.
Genome position (GRCh38, 1-based): chr3:25,636,141, A>T on the plus strand (T>A on the coding strand, the complement: TOP2B is on the minus strand). VCF-style: chr3-25636141-A-T. GRCh37 (hg19) VCF-style: chr3-25677632-A-T.
Other names: c.632T>A, p.Met211Lys (NM_001068.3); c.632T>A (NM_001068.2); short protein forms M216K, M211K.
Identifiers: ClinVar variation 1356534 (VCV001356534.7), dbSNP rs746592444, ClinGen allele CA71658865.
Genomic context (GRCh38, chr3:25,636,141, plus strand): 5'-GTGTAATCTTCACCATCAAAATGTTTAATTTTGGCTTCAGAAGTCTTCATCATATTATTC[A>T]TCCATGTCTTTAAAAGAAAAAAATTCAAATATTTCTATAATGCTTCCATATCTCATAATA-3'
Protein context (NP_001317629.1, residues 206-226): EYKHSFKQTW[Met216Lys]NNMMKTSEAK